The following is an entry in ClinVar:

ClinVar aggregate classification (germline): Uncertain significance. Review status: criteria provided, multiple submitters, no conflicts (2 of 4 stars). 2 submissions from 2 submitters: Uncertain significance (2). Last evaluated 2022-07-26.

Allele frequency attached by ClinVar (database versions not stated): ExAC 0.00001; gnomAD exomes 0.00001 and 0.00002; TOPMed 0.00002; gnomAD 0.00003; ESP Exome Variant Server 0.00008.
gnomAD v4.1: 12 of 1,614,014 alleles (0.00074%); highest among the groups gnomAD compares: African/African-American, 0.0053%; no homozygotes.

Submissions (2):

Labcorp Genetics (formerly Invitae), Labcorp
Classification: Uncertain significance. Last evaluated: 2022-07-26. Review status: criteria provided, single submitter. Criteria: Invitae Variant Classification Sherloc (09022015). Collection method: clinical testing. Allele origin: germline.
Comment: This sequence change replaces arginine, which is basic and polar, with tryptophan, which is neutral and slightly polar, at codon 198 of the WHRN protein (p.Arg198Trp). This variant is present in population databases (rs377053825, gnomAD 0.007%). This variant has not been reported in the literature in individuals affected with WHRN-related conditions. ClinVar contains an entry for this variant (Variation ID: 941553). Algorithms developed to predict the effect of missense changes on protein structure and function are either unavailable or do not agree on the potential impact of this missense change (SIFT: "Deleterious"; PolyPhen-2: "Probably Damaging"; Align-GVGD: "Class C0"). In summary, the available evidence is currently insufficient to determine the role of this variant in disease. Therefore, it has been classified as a Variant of Uncertain Significance.

Blueprint Genetics
Classification: Uncertain significance. Last evaluated: 2020-11-03. Review status: criteria provided, single submitter. Criteria: ACMG Guidelines, 2015. Collection method: clinical testing. Allele origin: germline.

NM_015404.4(WHRN):c.592C>T (p.Arg198Trp)

Gene: WHRN (whirlin; minus strand). Cytogenetic location: 9q32.
Variant type: single nucleotide variant.
Coding change: c.592C>T on transcript NM_015404.4 (MANE Select); coding-DNA position 592, C replaced by T.
Protein change: p.Arg198Trp; replaces arginine 198 with tryptophan.
Molecular consequence: missense variant.
Genome position (GRCh38, 1-based): chr9:114,504,210, G>A on the plus strand (C>T on the coding strand, the complement: WHRN is on the minus strand). VCF-style: chr9-114504210-G-A. GRCh37 (hg19) VCF-style: chr9-117266490-G-A.
Other names: c.592C>T, p.Arg198Trp (NM_001173425.2); short protein forms R198W.
Identifiers: ClinVar variation 941553 (VCV000941553.8), dbSNP rs377053825, ClinGen allele CA5206251.